The following is an entry in ClinVar:

NM_006767.4(LZTR1):c.2326-3C>A

Gene: LZTR1 (leucine zipper like post translational regulator 1; plus strand). Cytogenetic location: 22q11.21.
Variant type: single nucleotide variant.
Coding change: c.2326-3C>A on transcript NM_006767.4 (MANE Select); 3 bases into the intron before coding-DNA position 2326, C replaced by A.
Molecular consequence: intron variant.
Genome position (GRCh38, 1-based): chr22:20,996,883, C>A. VCF-style: chr22-20996883-C-A. GRCh37 (hg19) VCF-style: chr22-21351172-C-A.
Identifiers: ClinVar variation 1789649 (VCV001789649.4), dbSNP rs375845428, ClinGen allele CA638942623.
Genomic context (GRCh38, chr22:20,996,883, plus strand): 5'-CATGGCTGCAGCTCCCACTGAGTGGGTGAAAGGGGCAGCGCCTCAAGGTCCCTGCCATTG[C>A]AGATCCTGGAGGCAGCTGACAAAACGCAGGCACTGGACATGAAGCGGCACTGCCTGCACA-3'

ClinVar aggregate classification (germline): Uncertain significance. Review status: criteria provided, multiple submitters, no conflicts (2 of 4 stars). 2 submissions from 2 submitters: Uncertain significance (2). Last evaluated 2024-11-22.

Conditions:
Hereditary cancer-predisposing syndrome. Also called: Hereditary Cancer Syndrome; Hereditary neoplastic syndrome; Tumor predisposition; Neoplastic Syndromes, Hereditary. Identifiers: Orphanet 140162, MedGen C0027672, MeSH D009386, MONDO:0015356.
Cardiovascular phenotype. Identifiers: MedGen CN230736.

gnomAD v4.1: 9 of 1,611,974 alleles (0.00056%); highest among the groups gnomAD compares: Admixed American, 0.0017%; no homozygotes.

Submissions (2):

Labcorp Genetics (formerly Invitae), Labcorp
Classification: Uncertain significance. Last evaluated: 2024-11-22. Review status: criteria provided, single submitter. Criteria: Invitae Variant Classification Sherloc (09022015). Collection method: clinical testing. Allele origin: germline.
Comment: This sequence change falls in intron 19 of the LZTR1 gene. It does not directly change the encoded amino acid sequence of the LZTR1 protein. It affects a nucleotide within the consensus splice site. This variant is present in population databases (no rsID available, gnomAD 0.003%). This variant has not been reported in the literature in individuals affected with LZTR1-related conditions. ClinVar contains an entry for this variant (Variation ID: 1789649). Variants that disrupt the consensus splice site are a relatively common cause of aberrant splicing (PMID: 17576681, 9536098). Algorithms developed to predict the effect of sequence changes on RNA splicing suggest that this variant may disrupt the consensus splice site. In summary, the available evidence is currently insufficient to determine the role of this variant in disease. Therefore, it has been classified as a Variant of Uncertain Significance.

Ambry Genetics
Classification: Uncertain significance for Cardiovascular phenotype; Hereditary cancer-predisposing syndrome. Last evaluated: 2022-05-05. Review status: criteria provided, single submitter. Criteria: Ambry Variant Classification Scheme 2023. Collection method: clinical testing. Allele origin: germline.
Comment: The c.2326-3C>A intronic variant results from a C to A substitution 3 nucleotides upstream from coding exon 20 in the LZTR1 gene. This nucleotide position is well conserved in available vertebrate species. In silico splice site analysis predicts that this alteration will weaken the native splice acceptor site. Since supporting evidence is limited at this time, the clinical significance of this alteration remains unclear.

Literature cited by the submitters: PubMed 17576681 (cited by Labcorp Genetics (formerly Invitae), Labcorp); PubMed 9536098 (cited by Labcorp Genetics (formerly Invitae), Labcorp).